The following is an entry in ClinVar:

ClinVar aggregate classification (germline): Uncertain significance (1 of 4 stars; one submission).

Conditions:
Combined immunodeficiency due to LRBA deficiency. Also called: Common variable immunodeficiency 8, with autoimmunity. Identifiers: Orphanet 445018, MedGen C3553512, MONDO:0013863, OMIM 614700.

Submission:

Labcorp Genetics (formerly Invitae), Labcorp
Classification: Uncertain significance for Combined immunodeficiency due to LRBA deficiency. Last evaluated: 2022-08-22. Review status: criteria provided, single submitter. Criteria: Invitae Variant Classification Sherloc (09022015). Collection method: clinical testing. Allele origin: germline.
Comment: In summary, the available evidence is currently insufficient to determine the role of this variant in disease. Therefore, it has been classified as a Variant of Uncertain Significance. Algorithms developed to predict the effect of sequence changes on RNA splicing suggest that this variant may create or strengthen a splice site. This variant has not been reported in the literature in individuals affected with LRBA-related conditions. This variant is not present in population databases (gnomAD no frequency). This sequence change falls in intron 7 of the LRBA gene. It does not directly change the encoded amino acid sequence of the LRBA protein.

NM_001364905.1(LRBA):c.895-19C>G

Gene: LRBA (LPS responsive beige-like anchor protein; minus strand). Cytogenetic location: 4q31.3.
Variant type: single nucleotide variant.
Coding change: c.895-19C>G on transcript NM_001364905.1 (MANE Select); 19 bases into the intron before coding-DNA position 895, C replaced by G.
Molecular consequence: intron variant.
Genome position (GRCh38, 1-based): chr4:150,915,746, G>C on the plus strand (C>G on the coding strand, the complement: LRBA is on the minus strand). VCF-style: chr4-150915746-G-C. GRCh37 (hg19) VCF-style: chr4-151836898-G-C.
Other names: c.895-19C>G (NM_001367550.1, NM_006726.5, NM_001199282.3 and 2 more transcripts).
Identifiers: ClinVar variation 2016878 (VCV002016878.4), dbSNP rs2546663703, ClinGen allele CA2580071617.